The following is an entry in ClinVar:

ClinVar aggregate classification (germline): Conflicting classifications of pathogenicity. Review status: criteria provided, conflicting classifications (1 of 4 stars). 4 submissions from 4 submitters: Uncertain significance (1); Benign (1); Likely benign (2). Last evaluated 2025-11-24.

Conditions:
Genitopatellar syndrome (GTPTS). Also called: ABSENT PATELLAE, SCROTAL HYPOPLASIA, RENAL ANOMALIES, FACIAL DYSMORPHISM, AND MENTAL RETARDATION; Genitopatellar syndrome (GPS). Identifiers: Orphanet 85201, MedGen C1853566, MONDO:0011640, OMIM 606170.
Blepharophimosis - intellectual disability syndrome, SBBYS type (SBBYSS). Also called: Say-Barber-Biesecker-Young-Simpson variant of Ohdo Syndrome; Say-Barber-Biesecker Variant of Ohdo Syndrome; Young Simpson syndrome; Mental retardation unusual facies hypothyroidism; Ohdo syndrome, SBBYS variant; SBBYSS syndrome. Identifiers: Orphanet 3047, MedGen C1863557, MONDO:0011365, OMIM 603736.
Inborn genetic diseases. Identifiers: MedGen C0950123, MeSH D030342.

Allele frequency attached by ClinVar (database versions not stated): ExAC 0.00004; gnomAD exomes 0.00006; ESP Exome Variant Server 0.00008; gnomAD 0.00018 and 0.00021; TOPMed 0.00018; 1000 Genomes Project 30x 0.00031; 1000 Genomes Project 0.00040.

Submissions (4):

Ambry Genetics
Classification: Likely benign for Inborn genetic diseases. Last evaluated: 2025-11-24. Review status: criteria provided, single submitter. Criteria: Ambry Variant Classification Scheme 2023. Collection method: clinical testing. Allele origin: germline.

Labcorp Genetics (formerly Invitae), Labcorp
Classification: Benign for Genitopatellar syndrome. Last evaluated: 2025-06-12. Review status: criteria provided, single submitter. Criteria: Invitae Variant Classification Sherloc (09022015). Collection method: clinical testing. Allele origin: germline.

CeGaT Center for Human Genetics Tuebingen
Classification: Likely benign. Last evaluated: 2025-02-01. Review status: criteria provided, single submitter. Criteria: CeGaT Center For Human Genetics Tuebingen Variant Classification Criteria Version 2. Collection method: clinical testing. Allele origin: germline. Affected: yes. Observed: 1 variant allele.
Comment: KAT6B: BP4, BS2

Fulgent Genetics
Classification: Uncertain significance for Blepharophimosis - intellectual disability syndrome, SBBYS type; Genitopatellar syndrome. Last evaluated: 2022-03-08. Review status: criteria provided, single submitter. Criteria: ACMG Guidelines, 2015. Collection method: clinical testing. Allele origin: unknown.

NM_012330.4(KAT6B):c.3962A>T (p.Gln1321Leu)

Gene: KAT6B (lysine acetyltransferase 6B; plus strand). Cytogenetic location: 10q22.2.
Variant type: single nucleotide variant.
Coding change: c.3962A>T on transcript NM_012330.4 (MANE Select); coding-DNA position 3962, A replaced by T.
Protein change: p.Gln1321Leu; replaces glutamine 1321 with leucine.
Molecular consequence: missense variant.
Genome position (GRCh38, 1-based): chr10:75,028,786, A>T. VCF-style: chr10-75028786-A-T. GRCh37 (hg19) VCF-style: chr10-76788544-A-T.
Other names: c.3413A>T, p.Gln1138Leu (NM_001256468.2, NM_001370138.1); c.3086A>T, p.Gln1029Leu (NM_001256469.2, NM_001370139.1, NM_001370140.1 and 2 more transcripts); c.2924A>T, p.Gln975Leu (NM_001370132.1); c.2273A>T, p.Gln758Leu (NM_001370133.1); c.1877A>T, p.Gln626Leu (NM_001370134.1); c.1619A>T, p.Gln540Leu (NM_001370135.1); c.3962A>T, p.Gln1321Leu (NM_001370136.1, NM_001370137.1); c.2897A>T, p.Gln966Leu (NM_001370143.1, NM_001370144.1); and 1 more; short protein forms Q1138L, Q975L, Q1029L, Q626L, Q758L, Q966L, Q1321L, Q540L.
Identifiers: ClinVar variation 642582 (VCV000642582.23), dbSNP rs138030591, ClinGen allele CA5564932.